The following is an entry in ClinVar:

NM_032119.4(ADGRV1):c.17662del (p.Ser5888fs)

Gene: ADGRV1 (adhesion G protein-coupled receptor V1; plus strand). Cytogenetic location: 5q14.3.
Variant type: Deletion.
Coding change: c.17662del on transcript NM_032119.4 (MANE Select); coding-DNA position 17662, one base deleted (T; older notation c.17662delT).
Protein change: p.Ser5888fs; shifts the reading frame from serine 5888.
Molecular consequence: frameshift variant. On other transcripts: non-coding transcript variant (1).
Genome position (GRCh38, 1-based): chr5:90,855,808, T deleted; the last of 2 consecutive T bases (chr5:90,855,807-90,855,808); deleting either gives the same sequence. VCF-style (leftmost placement, unchanged base first): chr5-90855806-GT-G. GRCh37 (hg19) VCF-style: chr5-90151623-GT-G.
Other names: short protein forms S5888fs.
Identifiers: ClinVar variation 46292 (VCV000046292.7), dbSNP rs397517426, ClinGen allele CA261834.

ClinVar aggregate classification (germline): Pathogenic/Likely pathogenic. Review status: criteria provided, multiple submitters, no conflicts (2 of 4 stars). 3 submissions from 3 submitters: Pathogenic (2); Likely pathogenic (1). Last evaluated 2024-09-22.

Conditions:
Rare genetic deafness. Identifiers: Orphanet 96210, MedGen C5680250.
ADGRV1-related disorder. Also called: ADGRV1-related disorders; ADGRV1-related condition.

Submissions (3):

Labcorp Genetics (formerly Invitae), Labcorp
Classification: Pathogenic. Last evaluated: 2024-09-22. Review status: criteria provided, single submitter. Criteria: Invitae Variant Classification Sherloc (09022015). Collection method: clinical testing. Allele origin: germline.
Comment: This sequence change creates a premature translational stop signal (p.Ser5888Hisfs*54) in the ADGRV1 gene. It is expected to result in an absent or disrupted protein product. Loss-of-function variants in ADGRV1 are known to be pathogenic (PMID: 19357117, 22135276, 22147658, 26226137, 30718709, 31047384, 32467589). This variant is not present in population databases (gnomAD no frequency). This variant has not been reported in the literature in individuals affected with ADGRV1-related conditions. ClinVar contains an entry for this variant (Variation ID: 46292). For these reasons, this variant has been classified as Pathogenic.

Blueprint Genetics
Classification: Likely pathogenic for ADGRV1-related disorders. Last evaluated: 2020-02-24. Review status: criteria provided, single submitter. Criteria: ACMG Guidelines, 2015. Collection method: clinical testing. Allele origin: germline. Affected: yes. Observed: 1 variant allele.

Laboratory for Molecular Medicine, Mass General Brigham Personalized Medicine
Classification: Pathogenic for Rare genetic deafness. Last evaluated: 2010-12-17. Review status: criteria provided, single submitter. Criteria: LMM Criteria. Collection method: clinical testing. Allele origin: germline. Observed: 1 variant allele.
Comment: The Ser5888fs variant in GPR98 has not been reported in the literature nor previ ously identified by our laboratory. The Ser5888fs variant is predicted to cause a frameshift, which alters the protein's amino acid sequence beginning at codon 5888 and leads to a premature stop codon 54 codons downstream. This alteration i s then predicted to lead to a truncated or absent protein. In summary, this vari ant meets our criteria to be classified as pathogenic.

Literature cited by the submitters: PubMed 19357117 (cited by Labcorp Genetics (formerly Invitae), Labcorp); PubMed 22135276 (cited by Labcorp Genetics (formerly Invitae), Labcorp); PubMed 22147658 (cited by Labcorp Genetics (formerly Invitae), Labcorp); PubMed 26226137 (cited by Labcorp Genetics (formerly Invitae), Labcorp); PubMed 30718709 (cited by Labcorp Genetics (formerly Invitae), Labcorp); PubMed 31047384 (cited by Labcorp Genetics (formerly Invitae), Labcorp); PubMed 32467589 (cited by Labcorp Genetics (formerly Invitae), Labcorp).